The following is an entry in ClinVar:

NM_033305.3(VPS13A):c.6690C>T (p.Asp2230=)

Gene: VPS13A (vacuolar protein sorting 13 homolog A; plus strand). Cytogenetic location: 9q21.2.
Variant type: single nucleotide variant.
Coding change: c.6690C>T on transcript NM_033305.3 (MANE Select); coding-DNA position 6690, C replaced by T.
Protein change: p.Asp2230=; no amino-acid change (aspartic acid 2230 retained).
Molecular consequence: synonymous variant.
Genome position (GRCh38, 1-based): chr9:77,339,827, C>T. VCF-style: chr9-77339827-C-T. GRCh37 (hg19) VCF-style: chr9-79954743-C-T.
Other names: p.Asp2230=; c.6573C>T, p.Asp2191= (NM_001018037.2); c.6690C>T, p.Asp2230= (NM_001018038.3, NM_015186.4).
Identifiers: ClinVar variation 448869 (VCV000448869.19), dbSNP rs139115188, ClinGen allele CA5093086.

ClinVar aggregate classification (germline): Benign/Likely benign. Review status: criteria provided, multiple submitters, no conflicts (2 of 4 stars). 8 submissions from 8 submitters: Benign (2); Likely benign (3). 3 of the submissions do not count toward it. Last evaluated 2026-02-02.

Conditions:
VPS13A-related disorder. Also called: VPS13A-related condition.
VPS13A-related neurodegenerative disease. Also called: Choreoacanthocytosis; Chorea-acanthocytosis; Choreaacanthocytosis; VPS13A Disease; LEVINE-CRITCHLEY SYNDROME; ACANTHOCYTOSIS WITH NEUROLOGIC DISORDER. Identifiers: Orphanet 2388, MedGen C0393576, MONDO:0008695, OMIM 200150.

Allele frequency attached by ClinVar (database versions not stated): ESP Exome Variant Server 0.00023; 1000 Genomes Project 30x 0.00031; 1000 Genomes Project 0.00040; TOPMed 0.00049; gnomAD exomes 0.00079; ExAC 0.00093; gnomAD 0.00115.
gnomAD v4.1: 1,310 of 1,613,922 alleles (0.081%); highest among the groups gnomAD compares: Non-Finnish European, 0.083%; no homozygotes.

Submissions (8):

Labcorp Genetics (formerly Invitae), Labcorp
Classification: Benign. Last evaluated: 2026-02-02. Review status: criteria provided, single submitter. Criteria: Invitae Variant Classification Sherloc (09022015). Collection method: clinical testing. Allele origin: germline.

Mayo Clinic Laboratories, Mayo Clinic
Classification: Likely benign. Last evaluated: 2025-10-22. Review status: criteria provided, single submitter. Criteria: ACMG Guidelines, 2015. Collection method: clinical testing. Allele origin: germline. Observed: 3 variant alleles.
Comment: BS1, BP4, BP7

ARUP Laboratories, Molecular Genetics and Genomics, ARUP Laboratories
Classification: Likely benign for VPS13A-related neurodegenerative disease. Last evaluated: 2025-03-20. Review status: criteria provided, single submitter. Criteria: ARUP Molecular Germline Variant Investigation Process 2024. Collection method: clinical testing. Allele origin: germline.

Blueprint Genetics
Classification: Likely benign. Last evaluated: 2024-11-25. Review status: criteria provided, single submitter. Criteria: ACMG Guidelines, 2015. Collection method: clinical testing. Allele origin: germline.

Athena Diagnostics
Classification: Benign. Last evaluated: 2019-04-23. Review status: criteria provided, single submitter. Criteria: Athena Diagnostics Criteria. Collection method: clinical testing. Allele origin: germline.

PreventionGenetics, part of Exact Sciences
Classification: Likely benign for VPS13A-related condition. Last evaluated: 2019-09-13. Review status: no assertion criteria provided. Collection method: clinical testing. Allele origin: germline. Not counted in ClinVar's aggregate classification.
Comment: This variant is classified as likely benign based on ACMG/AMP sequence variant interpretation guidelines (Richards et al. 2015 PMID: 25741868, with internal and published modifications).

Clinical Genetics DNA and cytogenetics Diagnostics Lab, Erasmus MC, Erasmus Medical Center
Classification: Likely benign. Review status: no assertion criteria provided. Collection method: clinical testing. Allele origin: germline. Affected: yes. Study: VKGL Data-share Consensus. Not counted in ClinVar's aggregate classification.

Diagnostic Laboratory, Department of Genetics, University Medical Center Groningen
Classification: Likely benign for VPS13A-related neurodegenerative disease. Review status: no assertion criteria provided. Collection method: clinical testing. Allele origin: germline. Affected: yes. Study: VKGL Data-share Consensus. Not counted in ClinVar's aggregate classification.